The following is an entry in ClinVar:

NM_000059.4(BRCA2):c.7153G>A (p.Val2385Ile)

Gene: BRCA2 (BRCA2 DNA repair associated; plus strand). Cytogenetic location: 13q13.1.
Variant type: single nucleotide variant.
Coding change: c.7153G>A on transcript NM_000059.4 (MANE Select); coding-DNA position 7153, G replaced by A.
Protein change: p.Val2385Ile; replaces valine 2385 with isoleucine.
Molecular consequence: missense variant.
Genome position (GRCh38, 1-based): chr13:32,355,006, G>A. VCF-style: chr13-32355006-G-A. GRCh37 (hg19) VCF-style: chr13-32929143-G-A.
Other names: c.7057G>A, p.Val2353Ile (NM_001406719.1); c.7153G>A, p.Val2385Ile (NM_001406720.1); c.2221G>A, p.Val741Ile (NM_001406721.1); c.736G>A, p.Val246Ile (NM_001406722.1); short protein forms V2353I, V2385I, V246I, V741I.
Identifiers: ClinVar variation 1719160 (VCV001719160.7), dbSNP rs2137556385, ClinGen allele CA387739249.

ClinVar aggregate classification (germline): Uncertain significance. Review status: criteria provided, multiple submitters, no conflicts (2 of 4 stars). 2 submissions from 2 submitters: Uncertain significance (2). Last evaluated 2024-12-29.

Conditions:
Hereditary cancer-predisposing syndrome. Also called: Hereditary neoplastic syndrome; Neoplastic Syndromes, Hereditary; Hereditary Cancer Syndrome; Tumor predisposition. Identifiers: Orphanet 140162, MedGen C0027672, MeSH D009386, MONDO:0015356.
Hereditary breast ovarian cancer syndrome. Also called: BRCA1- and BRCA2-Associated Hereditary Breast and Ovarian Cancer; Hereditary breast and ovarian cancer syndrome (HBOC); Hereditary breast and/or ovarian cancer syndrome; Hereditary breast and ovarian cancer syndrome; Hereditary breast and ovarian cancer; Breast and ovarian cancer. Identifiers: Orphanet 145, MedGen C0677776, MeSH D061325, MONDO:0003582. Disease mechanism: loss of function.

Submissions (2):

Labcorp Genetics (formerly Invitae), Labcorp
Classification: Uncertain significance for Hereditary breast ovarian cancer syndrome. Last evaluated: 2024-12-29. Review status: criteria provided, single submitter. Criteria: Invitae Variant Classification Sherloc (09022015). Collection method: clinical testing. Allele origin: germline.
Comment: This sequence change replaces valine, which is neutral and non-polar, with isoleucine, which is neutral and non-polar, at codon 2385 of the BRCA2 protein (p.Val2385Ile). This variant is not present in population databases (gnomAD no frequency). This variant has not been reported in the literature in individuals affected with BRCA2-related conditions. ClinVar contains an entry for this variant (Variation ID: 1719160). Invitae Evidence Modeling of protein sequence and biophysical properties (such as structural, functional, and spatial information, amino acid conservation, physicochemical variation, residue mobility, and thermodynamic stability) indicates that this missense variant is not expected to disrupt BRCA2 protein function with a negative predictive value of 95%. In summary, the available evidence is currently insufficient to determine the role of this variant in disease. Therefore, it has been classified as a Variant of Uncertain Significance.

Ambry Genetics
Classification: Uncertain significance for Hereditary cancer-predisposing syndrome. Last evaluated: 2023-12-08. Review status: criteria provided, single submitter. Criteria: Ambry Variant Classification Scheme 2023. Collection method: clinical testing. Allele origin: germline.
Comment: The p.V2385I variant (also known as c.7153G>A), located in coding exon 13 of the BRCA2 gene, results from a G to A substitution at nucleotide position 7153. The valine at codon 2385 is replaced by isoleucine, an amino acid with highly similar properties. This amino acid position is not well conserved in available vertebrate species. In addition, the in silico prediction for this alteration is inconclusive. Since supporting evidence is limited at this time, the clinical significance of this alteration remains unclear.